The following is an entry in ClinVar:

ClinVar aggregate classification (germline): Uncertain significance (1 of 4 stars; one submission).

Conditions:
Hereditary cancer-predisposing syndrome. Also called: Neoplastic Syndromes, Hereditary; Tumor predisposition; Hereditary Cancer Syndrome; Hereditary neoplastic syndrome. Identifiers: Orphanet 140162, MedGen C0027672, MeSH D009386, MONDO:0015356.

Submission:

Ambry Genetics
Classification: Uncertain significance for Hereditary cancer-predisposing syndrome. Last evaluated: 2016-01-07. Review status: criteria provided, single submitter. Criteria: Ambry Variant Classification Scheme 2023. Collection method: clinical testing. Allele origin: germline.
Comment: The p.L1845M variant (also known as c.5533T>A), located in coding exon 36 of the ATM gene, results from a T to A substitution at nucleotide position 5533. The leucine at codon 1845 is replaced by methionine, an amino acid with highly similar properties. This variant was not reported in population based cohorts in the following databases: Database of Single Nucleotide Polymorphisms (dbSNP), NHLBI Exome Sequencing Project (ESP), and 1000 Genomes Project. In the ESP, this variant was not observed in 6499 samples (12998 alleles) with coverage at this position. To date, this alteration has been detected with an allele frequency of approximately 0.001% (greater than 125000 alleles tested) in our clinical cohort. This amino acid position is highly conserved in available vertebrate species. In addition, the in silico prediction for this alteration is inconclusive. Since supporting evidence is limited at this time, the clinical significance of p.L1845M remains unclear.

NM_000051.4(ATM):c.5533T>A (p.Leu1845Met)

Gene: ATM (ATM serine/threonine kinase; plus strand). Cytogenetic location: 11q22.3.
Variant type: single nucleotide variant.
Coding change: c.5533T>A on transcript NM_000051.4 (MANE Select); coding-DNA position 5533, T replaced by A.
Protein change: p.Leu1845Met; replaces leucine 1845 with methionine.
Molecular consequence: missense variant.
Genome position (GRCh38, 1-based): chr11:108,304,711, T>A. VCF-style: chr11-108304711-T-A. GRCh37 (hg19) VCF-style: chr11-108175438-T-A.
Other names: c.5533T>A, p.Leu1845Met (NM_001351834.2); short protein forms L1845M.
Identifiers: ClinVar variation 485174 (VCV000485174.5), dbSNP rs1555107311, ClinGen allele CA382545880.